The following is an entry in ClinVar:

NM_000781.3(CYP11A1):c.844del (p.Gln282fs)

Gene: CYP11A1 (cytochrome P450 family 11 subfamily A member 1; minus strand). Cytogenetic location: 15q24.1.
Variant type: Deletion.
Coding change: c.844del on transcript NM_000781.3 (MANE Select); coding-DNA position 844, one base deleted (C; older notation c.844delC).
Protein change: p.Gln282fs; shifts the reading frame from glutamine 282.
Molecular consequence: frameshift variant.
Genome position (GRCh38, 1-based): chr15:74,343,123, G deleted on the plus strand (C on the coding strand, the reverse complement: CYP11A1 is on the minus strand); the first of 3 consecutive G bases (chr15:74,343,123-74,343,125); deleting any one gives the same sequence. VCF-style (leftmost placement, unchanged base first): chr15-74343122-TG-T. GRCh37 (hg19) VCF-style: chr15-74635463-TG-T.
Other names: c.370del, p.Gln124fs (NM_001099773.2); short protein forms Q124fs, Q282fs.
Identifiers: ClinVar variation 4279600 (VCV004279600.2).

ClinVar aggregate classification (germline): Likely pathogenic (1 of 4 stars; one submission).

Conditions:
Congenital adrenal insufficiency with 46, XY sex reversal OR 46,XY disorder of sex development-adrenal insufficiency due to CYP11A1 deficiency. Also called: P450scc DEFICIENCY; Congenital adrenal insuffiency with 46, XY sex reversal OR 46,XY disorder of sex development-adrenal insufficiency due to CYP11A1 deficiency. Identifiers: Orphanet 168558, MedGen C3151055, MONDO:0013400, OMIM 613743.

Submission:

Diagnostics Services (NGS), CSIR - Centre For Cellular And Molecular Biology
Classification: Likely pathogenic for Congenital adrenal insufficiency with 46, XY sex reversal OR 46,XY disorder of sex development-adrenal insufficiency due to CYP11A1 deficiency. Last evaluated: 2025-09-11. Review status: criteria provided, single submitter. Criteria: ACMG Guidelines, 2015. Collection method: clinical testing. Allele origin: germline. Affected: yes. Observed: 1 variant allele, 1 heterozygote.
Comment: The c.844del variant is not present in 1000 Genomes, EVS, gnomAD and Indian Exome Database or our internal database. This variant has neither been published in the literature for CYP11A1-related conditions nor reported to HGMD, OMIM, or ClinVar databases in any affected individuals. In-silico pathogenicity prediction programs like MutationTaster2021, CADD, Varsome, Franklin etc predicted this variant to be likely deleterious. This variant causes frameshift at the 282nd amino acid position of the wild-type transcript which creates a premature translational stop signal at the altered transcript that may either result in translation of a truncated protein or cause nonsense mediated decay of the mRNA.